The following is an entry in ClinVar:

ClinVar aggregate classification (germline): Uncertain significance (1 of 4 stars; one submission).

gnomAD v4.1: 2 of 1,614,228 alleles (0.00012%); highest among the groups gnomAD compares: Non-Finnish European, 0.00017%; no homozygotes.

Submission:

CeGaT Center for Human Genetics Tuebingen
Classification: Uncertain significance. Last evaluated: 2023-07-01. Review status: criteria provided, single submitter. Criteria: CeGaT Center For Human Genetics Tuebingen Variant Classification Criteria Version 2. Collection method: clinical testing. Allele origin: germline. Affected: yes. Observed: 1 variant allele.
Comment: KMT2C: PM2

NM_170606.3(KMT2C):c.8752C>A (p.Leu2918Ile)

Gene: KMT2C (lysine methyltransferase 2C; minus strand). Cytogenetic location: 7q36.1.
Variant type: single nucleotide variant.
Coding change: c.8752C>A on transcript NM_170606.3 (MANE Select); coding-DNA position 8752, C replaced by A.
Protein change: p.Leu2918Ile; replaces leucine 2918 with isoleucine.
Molecular consequence: missense variant.
Genome position (GRCh38, 1-based): chr7:152,176,701, G>T on the plus strand (C>A on the coding strand, the complement: KMT2C is on the minus strand). VCF-style: chr7-152176701-G-T. GRCh37 (hg19) VCF-style: chr7-151873786-G-T.
Other names: short protein forms L2918I.
Identifiers: ClinVar variation 2579036 (VCV002579036.25), dbSNP rs1303449108, ClinGen allele CA370077358.